The following is an entry in ClinVar:

ClinVar aggregate classification (germline): Uncertain significance. Review status: criteria provided, multiple submitters, no conflicts (2 of 4 stars). 2 submissions from 2 submitters: Uncertain significance (2). Last evaluated 2025-09-24.

Conditions:
Inborn genetic diseases. Identifiers: MedGen C0950123, MeSH D030342.

gnomAD v4.1: 26 of 1,603,328 alleles (0.0016%); highest among the groups gnomAD compares: Non-Finnish European, 0.0019%; no homozygotes.

Submissions (2):

Ambry Genetics
Classification: Uncertain significance for Inborn genetic diseases. Last evaluated: 2025-09-24. Review status: criteria provided, single submitter. Criteria: Ambry Variant Classification Scheme 2023. Collection method: clinical testing. Allele origin: germline.
Comment: The c.2155A>G (p.R719G) alteration is located in exon 28 (coding exon 27) of the COL4A2 gene. This alteration results from a A to G substitution at nucleotide position 2155, causing the arginine (R) at amino acid position 719 to be replaced by a glycine (G). Based on data from gnomAD, the G allele has an overall frequency of 0.002% (5/258600) total alleles studied. The highest observed frequency was 0.004% (1/27644) of South Asian alleles. This amino acid position is not well conserved in available vertebrate species. The in silico prediction for this alteration is inconclusive. Based on insufficient or conflicting evidence, the clinical significance of this alteration remains unclear.

GeneDx
Classification: Uncertain significance. Last evaluated: 2025-06-03. Review status: criteria provided, single submitter. Criteria: GeneDx Variant Classification Process June 2021. Collection method: clinical testing. Allele origin: germline. Affected: yes.
Comment: In silico analysis supports that this missense variant has a deleterious effect on protein structure/function; Has not been previously published as pathogenic or benign to our knowledge

NM_001846.4(COL4A2):c.2155A>G (p.Arg719Gly)

Gene: COL4A2 (collagen type IV alpha 2 chain; plus strand). Cytogenetic location: 13q34.
Variant type: single nucleotide variant.
Coding change: c.2155A>G on transcript NM_001846.4 (MANE Select); coding-DNA position 2155, A replaced by G.
Protein change: p.Arg719Gly; replaces arginine 719 with glycine.
Molecular consequence: missense variant.
Genome position (GRCh38, 1-based): chr13:110,469,276, A>G. VCF-style: chr13-110469276-A-G. GRCh37 (hg19) VCF-style: chr13-111121623-A-G.
Other names: short protein forms R719G.
Identifiers: ClinVar variation 4536313 (VCV004536313.2).